The following is an entry in ClinVar:

ClinVar aggregate classification (germline): Uncertain significance. Review status: criteria provided, multiple submitters, no conflicts (2 of 4 stars). 2 submissions from 2 submitters: Uncertain significance (2). Last evaluated 2025-08-06.

Conditions:
Inborn genetic diseases. Identifiers: MedGen C0950123, MeSH D030342.

Allele frequency attached by ClinVar (database versions not stated): gnomAD exomes 0.00003 and 0.00001; ExAC 0.00002.
gnomAD v4.1: 17 of 1,613,768 alleles (0.0011%); highest among the groups gnomAD compares: South Asian, 0.014%; no homozygotes.

Submissions (2):

Ambry Genetics
Classification: Uncertain significance for Inborn genetic diseases. Last evaluated: 2025-08-06. Review status: criteria provided, single submitter. Criteria: Ambry Variant Classification Scheme 2023. Collection method: clinical testing. Allele origin: germline.

Labcorp Genetics (formerly Invitae), Labcorp
Classification: Uncertain significance. Last evaluated: 2022-10-13. Review status: criteria provided, single submitter. Criteria: Invitae Variant Classification Sherloc (09022015). Collection method: clinical testing. Allele origin: germline.
Comment: This sequence change replaces proline, which is neutral and non-polar, with serine, which is neutral and polar, at codon 1040 of the IMPG2 protein (p.Pro1040Ser). This variant is present in population databases (rs773291100, gnomAD 0.03%). This variant has not been reported in the literature in individuals affected with IMPG2-related conditions. ClinVar contains an entry for this variant (Variation ID: 959627). Advanced modeling of protein sequence and biophysical properties (such as structural, functional, and spatial information, amino acid conservation, physicochemical variation, residue mobility, and thermodynamic stability) performed at Invitae indicates that this missense variant is expected to disrupt IMPG2 protein function. In summary, the available evidence is currently insufficient to determine the role of this variant in disease. Therefore, it has been classified as a Variant of Uncertain Significance.

NM_016247.4(IMPG2):c.3118C>T (p.Pro1040Ser)

Gene: IMPG2 (interphotoreceptor matrix proteoglycan 2; minus strand). Cytogenetic location: 3q12.3.
Variant type: single nucleotide variant.
Coding change: c.3118C>T on transcript NM_016247.4 (MANE Select); coding-DNA position 3118, C replaced by T.
Protein change: p.Pro1040Ser; replaces proline 1040 with serine.
Molecular consequence: missense variant.
Genome position (GRCh38, 1-based): chr3:101,232,896, G>A on the plus strand (C>T on the coding strand, the complement: IMPG2 is on the minus strand). VCF-style: chr3-101232896-G-A. GRCh37 (hg19) VCF-style: chr3-100951740-G-A.
Other names: short protein forms P1040S.
Identifiers: ClinVar variation 959627 (VCV000959627.8), dbSNP rs773291100, ClinGen allele CA2518830.